The following is an entry in ClinVar:

ClinVar aggregate classification (germline): Uncertain significance (1 of 4 stars; one submission).

Conditions:
Spermatogenic failure 18. Identifiers: MedGen C4539783, MONDO:0054615, OMIM 617576.
Ciliary dyskinesia, primary, 37 (CILD37). Also called: CILIARY DYSKINESIA, PRIMARY, 37, WITH OR WITHOUT SITUS INVERSUS. Identifiers: MedGen C4539798, MONDO:0033204, OMIM 617577.

gnomAD v4.1: 4 of 1,605,550 alleles (0.00025%); highest among the groups gnomAD compares: Admixed American, 0.0068%; no homozygotes.

Submission:

Labcorp Genetics (formerly Invitae), Labcorp
Classification: Uncertain significance for Ciliary dyskinesia, primary, 37; Spermatogenic failure 18. Last evaluated: 2022-08-16. Review status: criteria provided, single submitter. Criteria: Invitae Variant Classification Sherloc (09022015). Collection method: clinical testing. Allele origin: germline.
Comment: This sequence change replaces cysteine, which is neutral and slightly polar, with tryptophan, which is neutral and slightly polar, at codon 364 of the DNAH1 protein (p.Cys364Trp). This variant is present in population databases (no rsID available, gnomAD 0.003%). This variant has not been reported in the literature in individuals affected with DNAH1-related conditions. ClinVar contains an entry for this variant (Variation ID: 842080). Algorithms developed to predict the effect of missense changes on protein structure and function are either unavailable or do not agree on the potential impact of this missense change (SIFT: "Deleterious"; PolyPhen-2: "Benign"; Align-GVGD: "Class C0"). In summary, the available evidence is currently insufficient to determine the role of this variant in disease. Therefore, it has been classified as a Variant of Uncertain Significance.

NM_015512.5(DNAH1):c.1092C>G (p.Cys364Trp)

Gene: DNAH1 (dynein axonemal heavy chain 1; plus strand). Cytogenetic location: 3p21.1.
Variant type: single nucleotide variant.
Coding change: c.1092C>G on transcript NM_015512.5 (MANE Select); coding-DNA position 1092, C replaced by G.
Protein change: p.Cys364Trp; replaces cysteine 364 with tryptophan.
Molecular consequence: missense variant.
Genome position (GRCh38, 1-based): chr3:52,332,200, C>G. VCF-style: chr3-52332200-C-G. GRCh37 (hg19) VCF-style: chr3-52366216-C-G.
Other names: short protein forms C364W.
Identifiers: ClinVar variation 842080 (VCV000842080.4), dbSNP rs768178265, ClinGen allele CA353080460.